The following is an entry in ClinVar:

ClinVar aggregate classification (germline): Benign/Likely benign. Review status: criteria provided, multiple submitters, no conflicts (2 of 4 stars). 8 submissions from 8 submitters: Benign (1); Likely benign (6). 1 of the submissions does not count toward it. Last evaluated 2025-12-24.

Conditions:
Hereditary cancer-predisposing syndrome. Also called: Tumor predisposition; Neoplastic Syndromes, Hereditary; Hereditary neoplastic syndrome; Hereditary Cancer Syndrome. Identifiers: Orphanet 140162, MedGen C0027672, MeSH D009386, MONDO:0015356.
Familial cancer of breast. Also called: BREAST CANCER, FAMILIAL; hereditary breast carcinoma; Hereditary breast cancer. Identifiers: Orphanet 227535, MedGen C0346153, MONDO:0016419, OMIM 114480. Disease mechanism: loss of function.

Allele frequency attached by ClinVar (database versions not stated): gnomAD exomes below 0.00001; TOPMed below 0.00001; ExAC 0.00002.
gnomAD v4.1: 8 of 1,614,054 alleles (0.0005%); highest among the groups gnomAD compares: Non-Finnish European, 0.00051%; no homozygotes.

Submissions (8):

Labcorp Genetics (formerly Invitae), Labcorp
Classification: Likely benign for Familial cancer of breast. Last evaluated: 2025-12-24. Review status: criteria provided, single submitter. Criteria: Invitae Variant Classification Sherloc (09022015). Collection method: clinical testing. Allele origin: germline.

Blueprint Genetics
Classification: Likely benign. Last evaluated: 2024-09-20. Review status: criteria provided, single submitter. Criteria: ACMG Guidelines, 2015. Collection method: clinical testing. Allele origin: germline.

Myriad Genetics, Inc.
Classification: Benign for Familial cancer of breast. Last evaluated: 2023-03-30. Review status: criteria provided, single submitter. Criteria: Myriad Autosomal Dominant, Autosomal Recessive and X-Linked Classification Criteria (2023). Collection method: clinical testing. Allele origin: unknown.
Comment: This variant is considered benign. This variant is a silent/synonymous amino acid change and it is not expected to impact splicing.

GeneDx
Classification: Likely benign. Last evaluated: 2020-08-27. Review status: criteria provided, single submitter. Criteria: GeneDx Variant Classification Process June 2021. Collection method: clinical testing. Allele origin: germline. Affected: yes.
Comment: Not observed at a significant frequency in large population cohorts (Lek et al., 2016); In silico analysis, which includes splice predictors and evolutionary conservation, suggests this variant may impact gene splicing. In the absence of RNA/functional studies, the actual effect of this sequence change is unknown.; This variant is associated with the following publications: (PMID: 28779002)

Women's Health and Genetics/Laboratory Corporation of America, LabCorp
Classification: Likely benign. Last evaluated: 2019-08-29. Review status: criteria provided, single submitter. Criteria: LabCorp Variant Classification Summary - May 2015. Collection method: clinical testing. Allele origin: germline.

Color Diagnostics, LLC DBA Color Health
Classification: Likely benign for Hereditary cancer-predisposing syndrome. Last evaluated: 2016-04-27. Review status: criteria provided, single submitter. Criteria: ACMG Guidelines, 2015. Collection method: clinical testing. Allele origin: germline.

Ambry Genetics
Classification: Likely benign for Hereditary cancer-predisposing syndrome. Last evaluated: 2014-10-02. Review status: criteria provided, single submitter. Criteria: Ambry Variant Classification Scheme 2023. Collection method: clinical testing. Allele origin: germline.

Counsyl
Classification: Likely benign for Familial cancer of breast. Last evaluated: 2018-01-24. Review status: no assertion criteria provided. Collection method: clinical testing. Allele origin: unknown. Not counted in ClinVar's aggregate classification.

Literature cited by the submitters: PubMed 28779002 (cited by Counsyl).

NM_024675.4(PALB2):c.2130G>A (p.Thr710=)

Gene: PALB2 (partner and localizer of BRCA2; minus strand). Cytogenetic location: 16p12.2.
Variant type: single nucleotide variant.
Coding change: c.2130G>A on transcript NM_024675.4 (MANE Select); coding-DNA position 2130, G replaced by A.
Protein change: p.Thr710=; no amino-acid change (threonine 710 retained).
Molecular consequence: synonymous variant.
Genome position (GRCh38, 1-based): chr16:23,630,024, C>T on the plus strand (G>A on the coding strand, the complement: PALB2 is on the minus strand). VCF-style: chr16-23630024-C-T. GRCh37 (hg19) VCF-style: chr16-23641345-C-T.
Identifiers: ClinVar variation 184275 (VCV000184275.24), dbSNP rs774049060, ClinGen allele CA188451.